The following is an entry in ClinVar:

NM_005585.5(SMAD6):c.434T>C (p.Leu145Pro)

Gene: SMAD6 (SMAD family member 6; plus strand). Cytogenetic location: 15q22.31.
Variant type: single nucleotide variant.
Coding change: c.434T>C on transcript NM_005585.5 (MANE Select); coding-DNA position 434, T replaced by C.
Protein change: p.Leu145Pro; replaces leucine 145 with proline.
Molecular consequence: missense variant. On other transcripts: non-coding transcript variant (1).
Genome position (GRCh38, 1-based): chr15:66,703,692, T>C. VCF-style: chr15-66703692-T-C. GRCh37 (hg19) VCF-style: chr15-66996030-T-C.
Other names: p.Leu145Pro; short protein forms L145P.
Identifiers: ClinVar variation 846448 (VCV000846448.8), dbSNP rs1011931265, ClinGen allele CA271682962.

ClinVar aggregate classification (germline): Uncertain significance. Review status: criteria provided, multiple submitters, no conflicts (2 of 4 stars). 3 submissions from 3 submitters: Uncertain significance (3). Last evaluated 2025-10-21.

Conditions:
Aortic valve disease 2 (AOVD2). Identifiers: MedGen C3542024, MONDO:0013902, OMIM 614823.
Inborn genetic diseases. Identifiers: MedGen C0950123, MeSH D030342.

Allele frequency attached by ClinVar (database versions not stated): gnomAD 0.00001; gnomAD exomes 0.00004; TOPMed 0.00010.
gnomAD v4.1: 53 of 1,254,788 alleles (0.0042%); highest among the groups gnomAD compares: African/African-American, 0.025%; 1 homozygote.

Submissions (3):

Ambry Genetics
Classification: Uncertain significance for Inborn genetic diseases. Last evaluated: 2025-10-21. Review status: criteria provided, single submitter. Criteria: Ambry Variant Classification Scheme 2023. Collection method: clinical testing. Allele origin: germline.

Mayo Clinic Laboratories, Mayo Clinic
Classification: Uncertain significance. Last evaluated: 2024-12-18. Review status: criteria provided, single submitter. Criteria: ACMG Guidelines, 2015. Collection method: clinical testing. Allele origin: germline. Observed: 1 variant allele.
Comment: BP4

Labcorp Genetics (formerly Invitae), Labcorp
Classification: Uncertain significance for Aortic valve disease 2. Last evaluated: 2023-07-07. Review status: criteria provided, single submitter. Criteria: Invitae Variant Classification Sherloc (09022015). Collection method: clinical testing. Allele origin: germline.
Comment: In summary, the available evidence is currently insufficient to determine the role of this variant in disease. Therefore, it has been classified as a Variant of Uncertain Significance. Advanced modeling of protein sequence and biophysical properties (such as structural, functional, and spatial information, amino acid conservation, physicochemical variation, residue mobility, and thermodynamic stability) performed at Invitae indicates that this missense variant is not expected to disrupt SMAD6 protein function. ClinVar contains an entry for this variant (Variation ID: 846448). This variant has not been reported in the literature in individuals affected with SMAD6-related conditions. This variant is present in population databases (no rsID available, gnomAD 0.01%). This sequence change replaces leucine, which is neutral and non-polar, with proline, which is neutral and non-polar, at codon 145 of the SMAD6 protein (p.Leu145Pro).